The following is an entry in ClinVar:

ClinVar aggregate classification (germline): Uncertain significance (1 of 4 stars; one submission).

Conditions:
Cardiovascular phenotype. Identifiers: MedGen CN230736.

Allele frequency attached by ClinVar (database versions not stated): gnomAD exomes below 0.00001.
gnomAD v4.1: 2 of 1,611,844 alleles (0.00012%); highest among the groups gnomAD compares: Middle Eastern, 0.017%; no homozygotes.

Submission:

Ambry Genetics
Classification: Uncertain significance for Cardiovascular phenotype. Last evaluated: 2023-12-29. Review status: criteria provided, single submitter. Criteria: Ambry Variant Classification Scheme 2023. Collection method: clinical testing. Allele origin: germline.
Comment: The p.G850R variant (also known as c.2548G>C), located in coding exon 17 of the GAA gene, results from a G to C substitution at nucleotide position 2548. The glycine at codon 850 is replaced by arginine, an amino acid with dissimilar properties. This amino acid position is conserved. In addition, this alteration is predicted to be tolerated by in silico analysis. Since supporting evidence is limited at this time, the clinical significance of this alteration remains unclear.

NM_000152.5(GAA):c.2548G>C (p.Gly850Arg)

Gene: GAA (alpha glucosidase; plus strand). Cytogenetic location: 17q25.3.
Variant type: single nucleotide variant.
Coding change: c.2548G>C on transcript NM_000152.5 (MANE Select); coding-DNA position 2548, G replaced by C.
Protein change: p.Gly850Arg; replaces glycine 850 with arginine.
Molecular consequence: missense variant.
Genome position (GRCh38, 1-based): chr17:80,118,259, G>C. VCF-style: chr17-80118259-G-C. GRCh37 (hg19) VCF-style: chr17-78092058-G-C.
Other names: c.2548G>C, p.Gly850Arg (NM_001079803.3, NM_001079804.3, NM_001406741.1 and 1 more transcripts); short protein forms G850R.
Identifiers: ClinVar variation 3230474 (VCV003230474.1), dbSNP rs2039403800, ClinGen allele CA401326146.